The following is an entry in ClinVar:

NM_002098.6(GUCA1B):c.51T>G (p.Asp17Glu)

Gene: GUCA1B (guanylate cyclase activator 1B; minus strand). Cytogenetic location: 6p21.1.
Variant type: single nucleotide variant.
Coding change: c.51T>G on transcript NM_002098.6 (MANE Select); coding-DNA position 51, T replaced by G.
Protein change: p.Asp17Glu; replaces aspartic acid 17 with glutamic acid.
Molecular consequence: missense variant.
Genome position (GRCh38, 1-based): chr6:42,194,770, A>C on the plus strand (T>G on the coding strand, the complement: GUCA1B is on the minus strand). VCF-style: chr6-42194770-A-C. GRCh37 (hg19) VCF-style: chr6-42162508-A-C.
Other names: short protein forms D17E.
Identifiers: ClinVar variation 4728163 (VCV004728163.1).
Genomic context (GRCh38, chr6:42,194,770, plus strand): 5'-GAGTGTGCCGCTGGGGCACTCCATCACAAACTTCTTGTACCACTCCTGGAGCTCCGCCAC[A>C]TCTATCTCGCCAGCTGCCTCCGCCTCCTCCCAGCTAAACTCCTGCCCCATGCTAGCCCTG-3'
Protein context (NP_002089.4, residues 7-27): WEEAEAAGEI[Asp17Glu]VAELQEWYKK

ClinVar aggregate classification (germline): Uncertain significance (1 of 4 stars; one submission).

Submission:

Labcorp Genetics (formerly Invitae), Labcorp
Classification: Uncertain significance. Last evaluated: 2025-09-30. Review status: criteria provided, single submitter. Criteria: Invitae Variant Classification Sherloc (09022015). Collection method: clinical testing. Allele origin: germline.
Comment: This sequence change replaces aspartic acid, which is acidic and polar, with glutamic acid, which is acidic and polar, at codon 17 of the GUCA1B protein (p.Asp17Glu). This variant is not present in population databases (gnomAD no frequency). This variant has not been reported in the literature in individuals affected with GUCA1B-related conditions. An algorithm developed to predict the effect of missense changes on protein structure and function (PolyPhen-2) suggests that this variant is likely to be tolerated. In summary, the available evidence is currently insufficient to determine the role of this variant in disease. Therefore, it has been classified as a Variant of Uncertain Significance.